The following is an entry in ClinVar:

NM_012199.5(AGO1):c.1883G>A (p.Arg628Gln)

Gene: AGO1 (argonaute RISC component 1; plus strand). Cytogenetic location: 1p34.3.
Variant type: single nucleotide variant.
Coding change: c.1883G>A on transcript NM_012199.5 (MANE Select); coding-DNA position 1883, G replaced by A.
Protein change: p.Arg628Gln; replaces arginine 628 with glutamine.
Molecular consequence: missense variant.
Genome position (GRCh38, 1-based): chr1:35,915,397, G>A. VCF-style: chr1-35915397-G-A. GRCh37 (hg19) VCF-style: chr1-36380998-G-A.
Other names: c.1883G>A, p.Arg628Gln (NM_001317122.2); c.1658G>A, p.Arg553Gln (NM_001317123.2); short protein forms R553Q, R628Q.
Identifiers: ClinVar variation 4527893 (VCV004527893.1).
Genomic context (GRCh38, chr1:35,915,397, plus strand): 5'-CTGACTGTCAGGTGGTAGGCAGTATGGATGCCCACCCCAGCCGATACTGTGCTACTGTGC[G>A]GGTACAGCGACCACGGCAAGAGATCATTGAAGACTTGTCCTACATGGTGCGTGAGCTCCT-3'
Protein context (NP_036331.1, residues 618-638): AHPSRYCATV[Arg628Gln]VQRPRQEIIE

ClinVar aggregate classification (germline): Uncertain significance (1 of 4 stars; one submission).

Submission:

GeneDx
Classification: Uncertain significance. Last evaluated: 2025-05-05. Review status: criteria provided, single submitter. Criteria: GeneDx Variant Classification Process June 2021. Collection method: clinical testing. Allele origin: germline. Affected: yes.
Comment: Not observed at significant frequency in large population cohorts (gnomAD); In silico analysis supports that this missense variant has a deleterious effect on protein structure/function; Has not been previously published as pathogenic or benign to our knowledge; In silico analysis suggests this variant may impact gene splicing. In the absence of RNA/functional studies, the actual effect of this sequence change is unknown.